The following is an entry in ClinVar:

NM_012463.4(ATP6V0A2):c.1970C>T (p.Ala657Val)

Gene: ATP6V0A2 (ATPase H+ transporting V0 subunit a2; plus strand). Cytogenetic location: 12q24.31.
Variant type: single nucleotide variant.
Coding change: c.1970C>T on transcript NM_012463.4 (MANE Select); coding-DNA position 1970, C replaced by T.
Protein change: p.Ala657Val; replaces alanine 657 with valine.
Molecular consequence: missense variant.
Genome position (GRCh38, 1-based): chr12:123,751,144, C>T. VCF-style: chr12-123751144-C-T. GRCh37 (hg19) VCF-style: chr12-124235691-C-T.
Other names: short protein forms A657V.
Identifiers: ClinVar variation 388442 (VCV000388442.10), dbSNP rs147641581, ClinGen allele CA6862083.

ClinVar aggregate classification (germline): Uncertain significance. Review status: criteria provided, multiple submitters, no conflicts (2 of 4 stars). 4 submissions from 4 submitters: Uncertain significance (4). Last evaluated 2024-05-22.

Conditions:
Inborn genetic diseases. Identifiers: MedGen C0950123, MeSH D030342.
ALG9 congenital disorder of glycosylation (CDG1L). Also called: CDG Il; CONGENITAL DISORDER OF GLYCOSYLATION, TYPE Il; ALG9-CDG. Identifiers: Orphanet 79328, MedGen C2931006, MONDO:0012117, OMIM 608776.

Allele frequency attached by ClinVar (database versions not stated): gnomAD exomes 0.00004 and 0.00010; ExAC 0.00008; 1000 Genomes Project 0.00020; 1000 Genomes Project 30x 0.00031; gnomAD 0.00040 and 0.00047; TOPMed 0.00045; ESP Exome Variant Server 0.00046.
gnomAD v4.1: 124 of 1,614,160 alleles (0.0077%); highest among the groups gnomAD compares: African/African-American, 0.16%; no homozygotes.

Submissions (4):

Labcorp Genetics (formerly Invitae), Labcorp
Classification: Uncertain significance for ALG9 congenital disorder of glycosylation. Last evaluated: 2024-05-22. Review status: criteria provided, single submitter. Criteria: Invitae Variant Classification Sherloc (09022015). Collection method: clinical testing. Allele origin: germline.
Comment: This sequence change replaces alanine, which is neutral and non-polar, with valine, which is neutral and non-polar, at codon 657 of the ATP6V0A2 protein (p.Ala657Val). This variant is present in population databases (rs147641581, gnomAD 0.1%). This variant has not been reported in the literature in individuals affected with ATP6V0A2-related conditions. ClinVar contains an entry for this variant (Variation ID: 388442). Advanced modeling of protein sequence and biophysical properties (such as structural, functional, and spatial information, amino acid conservation, physicochemical variation, residue mobility, and thermodynamic stability) performed at Invitae indicates that this missense variant is not expected to disrupt ATP6V0A2 protein function with a negative predictive value of 80%. In summary, the available evidence is currently insufficient to determine the role of this variant in disease. Therefore, it has been classified as a Variant of Uncertain Significance.

Ambry Genetics
Classification: Uncertain significance for Inborn genetic diseases. Last evaluated: 2023-12-18. Review status: criteria provided, single submitter. Criteria: Ambry Variant Classification Scheme 2023. Collection method: clinical testing. Allele origin: germline.

Revvity Omics, Revvity
Classification: Uncertain significance. Last evaluated: 2022-08-01. Review status: criteria provided, single submitter. Criteria: ACMG Guidelines, 2015. Collection method: clinical testing. Allele origin: germline.

GeneDx
Classification: Uncertain significance. Last evaluated: 2016-08-10. Review status: criteria provided, single submitter. Criteria: GeneDx Variant Classification (06012015). Collection method: clinical testing. Allele origin: germline. Affected: yes.
Comment: A variant of uncertain significance has been identified in the ATP6V0A2 gene. The A657V variant has not been published as a pathogenic variant, nor has it been reported as a benign variant to our knowledge. The A657V variant was not observed with any significant frequency in approximately 6,500 individuals of European and African American ancestry in the NHLBI Exome Sequencing Project and the 1000 Genomes Project. The A657V variant is a conservative amino acid substitution, which is not likely to impact secondary protein structure as these residues share similar properties. This substitution occurs at a position that is not conserved. However, in silico analysis is inconsistent in its predictions as to whether or not the variant is damaging to the protein structure/function. Therefore, based on the currently available information, it is unclear whether this variant is a pathogenic variant or a rare benign variant.